The following is an entry in ClinVar:

ClinVar aggregate classification (germline): Pathogenic (1 of 4 stars; one submission).

Submission:

Labcorp Genetics (formerly Invitae), Labcorp
Classification: Pathogenic. Last evaluated: 2023-04-25. Review status: criteria provided, single submitter. Criteria: Invitae Variant Classification Sherloc (09022015). Collection method: clinical testing. Allele origin: unknown.
Comment: For these reasons, this variant has been classified as Pathogenic. This variant has not been reported in the literature in individuals affected with ABCB4-related conditions. This variant is a gross deletion of the genomic region encompassing exon(s) 9 of the ABCB4 gene. This deletion is out-of-frame, and is expected to create a premature termination codon and result in an absent or disrupted protein product. Loss-of-function variants in ABCB4 are known to be pathogenic (PMID: 17726488, 25755532).

Literature cited by the submitters: PubMed 17726488; PubMed 25755532.

NC_000007.13:g.(?_87076330)_(87076541_?)del

Gene: ABCB4 (ATP binding cassette subfamily B member 4; minus strand). Cytogenetic location: 7q21.12.
Variant type: Deletion.
Identifiers: ClinVar variation 3245854 (VCV003245854.1).